The following is an entry in ClinVar:

NM_004168.4(SDHA):c.1233C>A (p.Gly411=)

Gene: SDHA (succinate dehydrogenase complex flavoprotein subunit A; plus strand). Cytogenetic location: 5p15.33.
Variant type: single nucleotide variant.
Coding change: c.1233C>A on transcript NM_004168.4 (MANE Select); coding-DNA position 1233, C replaced by A.
Protein change: p.Gly411=; no amino-acid change (glycine 411 retained).
Molecular consequence: synonymous variant.
Genome position (GRCh38, 1-based): chr5:235,312, C>A. VCF-style: chr5-235312-C-A. GRCh37 (hg19) VCF-style: chr5-235427-C-A.
Other names: c.1089C>A, p.Gly363= (NM_001294332.2); c.1233C>A, p.Gly411= (NM_001330758.2).
Identifiers: ClinVar variation 472311 (VCV000472311.15), dbSNP rs376530094, ClinGen allele CA3173144.

ClinVar aggregate classification (germline): Benign/Likely benign. Review status: criteria provided, multiple submitters, no conflicts (2 of 4 stars). 3 submissions from 3 submitters: Benign (1); Likely benign (2). Last evaluated 2025-03-10.

Conditions:
Pheochromocytoma/paraganglioma syndrome 5. Also called: Paragangliomas 5; SDHA-Related Hereditary Paraganglioma-Pheochromocytoma Syndrome. Identifiers: Orphanet 29072, MedGen C3279992, MONDO:0013602, OMIM 614165.
Mitochondrial complex II deficiency, nuclear type 1. Also called: SUCCINATE CoQ REDUCTASE DEFICIENCY. Identifiers: Orphanet 3208, MedGen C5700310, MONDO:0100294, OMIM 252011.
Hereditary cancer-predisposing syndrome. Also called: Neoplastic Syndromes, Hereditary; Hereditary Cancer Syndrome; Hereditary neoplastic syndrome; Tumor predisposition. Identifiers: Orphanet 140162, MedGen C0027672, MeSH D009386, MONDO:0015356.

Submissions (3):

Myriad Genetics, Inc.
Classification: Benign for Pheochromocytoma/paraganglioma syndrome 5. Last evaluated: 2025-03-10. Review status: criteria provided, single submitter. Criteria: Myriad Autosomal Dominant, Autosomal Recessive and X-Linked Classification Criteria (2023). Collection method: clinical testing. Allele origin: unknown.
Comment: This variant is considered benign. This variant is a silent/synonymous amino acid change and it is not expected to impact splicing.

Labcorp Genetics (formerly Invitae), Labcorp
Classification: Likely benign for Pheochromocytoma/paraganglioma syndrome 5; Mitochondrial complex II deficiency, nuclear type 1. Last evaluated: 2024-07-18. Review status: criteria provided, single submitter. Criteria: Invitae Variant Classification Sherloc (09022015). Collection method: clinical testing. Allele origin: germline.

Ambry Genetics
Classification: Likely benign for Hereditary cancer-predisposing syndrome. Last evaluated: 2022-04-18. Review status: criteria provided, single submitter. Criteria: Ambry Variant Classification Scheme 2023. Collection method: clinical testing. Allele origin: germline.